The following is an entry in ClinVar:

ClinVar aggregate classification (germline): Uncertain significance (1 of 4 stars; one submission).

Conditions:
Autosomal dominant polycystic kidney disease. Identifiers: Orphanet 730, MedGen C0085413, MONDO:0004691.

gnomAD v4.1: 23 of 1,610,098 alleles (0.0014%); highest among the groups gnomAD compares: Non-Finnish European, 0.0019%; no homozygotes.

Submission:

Labcorp Genetics (formerly Invitae), Labcorp
Classification: Uncertain significance for Autosomal dominant polycystic kidney disease. Last evaluated: 2026-01-21. Review status: criteria provided, single submitter. Criteria: Invitae Variant Classification Sherloc (09022015). Collection method: clinical testing. Allele origin: germline.
Comment: This sequence change replaces phenylalanine, which is neutral and non-polar, with valine, which is neutral and non-polar, at codon 506 of the PKD2 protein (p.Phe506Val). This variant is present in population databases (rs768723527, gnomAD 0.009%). This variant has not been reported in the literature in individuals affected with PKD2-related conditions. Invitae Evidence Modeling of protein sequence and biophysical properties (such as structural, functional, and spatial information, amino acid conservation, physicochemical variation, residue mobility, and thermodynamic stability) indicates that this missense variant is not expected to disrupt PKD2 protein function with a negative predictive value of 80%. In summary, the available evidence is currently insufficient to determine the role of this variant in disease. Therefore, it has been classified as a Variant of Uncertain Significance.

NM_000297.4(PKD2):c.1516T>G (p.Phe506Val)

Gene: PKD2 (polycystin 2, transient receptor potential cation channel; plus strand). Cytogenetic location: 4q22.1.
Variant type: single nucleotide variant.
Coding change: c.1516T>G on transcript NM_000297.4 (MANE Select); coding-DNA position 1516, T replaced by G.
Protein change: p.Phe506Val; replaces phenylalanine 506 with valine.
Molecular consequence: missense variant. On other transcripts: non-coding transcript variant (1).
Genome position (GRCh38, 1-based): chr4:88,046,838, T>G. VCF-style: chr4-88046838-T-G. GRCh37 (hg19) VCF-style: chr4-88967990-T-G.
Other names: c.1291T>G, p.Phe431Val (NM_001440544.1); short protein forms F431V, F506V.
Identifiers: ClinVar variation 4717082 (VCV004717082.1).